The following is an entry in ClinVar:

NM_005450.6(NOG):c.639G>T (p.Gln213His)

Gene: NOG (noggin; plus strand). Cytogenetic location: 17q22.
Variant type: single nucleotide variant.
Coding change: c.639G>T on transcript NM_005450.6 (MANE Select); coding-DNA position 639, G replaced by T.
Protein change: p.Gln213His; replaces glutamine 213 with histidine.
Molecular consequence: missense variant.
Genome position (GRCh38, 1-based): chr17:56,594,862, G>T. VCF-style: chr17-56594862-G-T. GRCh37 (hg19) VCF-style: chr17-54672223-G-T.
Other names: short protein forms Q213H.
Identifiers: ClinVar variation 2801756 (VCV002801756.3), dbSNP rs778574790, ClinGen allele CA8663233.

ClinVar aggregate classification (germline): Uncertain significance (1 of 4 stars; one submission).

Allele frequency attached by ClinVar (database versions not stated): ExAC 0.00001.

Submission:

Labcorp Genetics (formerly Invitae), Labcorp
Classification: Uncertain significance. Last evaluated: 2024-10-17. Review status: criteria provided, single submitter. Criteria: Invitae Variant Classification Sherloc (09022015). Collection method: clinical testing. Allele origin: germline.
Comment: This sequence change replaces glutamine, which is neutral and polar, with histidine, which is basic and polar, at codon 213 of the NOG protein (p.Gln213His). This variant is present in population databases (rs778574790, gnomAD no frequency). This variant has not been reported in the literature in individuals affected with NOG-related conditions. An algorithm developed to predict the effect of missense changes on protein structure and function (PolyPhen-2) suggests that this variant is likely to be disruptive. In summary, the available evidence is currently insufficient to determine the role of this variant in disease. Therefore, it has been classified as a Variant of Uncertain Significance.